The following is an entry in ClinVar:

NM_001709.5(BDNF):c.-21-15493T>G

Genes: BDNF (brain derived neurotrophic factor; minus strand), BDNF-AS (BDNF antisense RNA; plus strand). Cytogenetic location: 11p14.1.
Variant type: single nucleotide variant.
Coding change: c.-21-15493T>G on transcript NM_001709.5 (MANE Select); 15493 bases into the intron before 21 bases upstream of the start codon, T replaced by G.
Molecular consequence: intron variant. On other transcripts: synonymous variant (1), 5 prime UTR variant (1).
Genome position (GRCh38, 1-based): chr11:27,674,078, A>C on the plus strand (T>G on the coding strand, the complement: BDNF is on the minus strand). VCF-style: chr11-27674078-A-C. GRCh37 (hg19) VCF-style: chr11-27695625-A-C.
Other names: c.207T>G, p.Pro69= (NM_001143810.2); c.-157T>G (NM_001143811.2); c.4-15493T>G (NM_170731.5); c.-21-15493T>G (NM_001143805.1, NM_001143806.1, NM_170732.4 and 5 more transcripts); c.67-15493T>G (NM_001143809.2); c.-128-15152T>G (NM_001143814.2); c.25-15493T>G (NM_170734.4).
Identifiers: ClinVar variation 4997766 (VCV004997766.1).

ClinVar aggregate classification (germline): Likely benign (1 of 4 stars; one submission).

Conditions:
BDNF-related disorder. Also called: BDNF-related condition.

Submission:

PreventionGenetics, part of Exact Sciences
Classification: Likely benign for BDNF-related condition. Last evaluated: 2025-06-06. Review status: criteria provided, single submitter. Criteria: ACMG Guidelines, 2015. Collection method: clinical testing. Allele origin: germline.
Comment: This variant is classified as likely benign based on ACMG/AMP sequence variant interpretation guidelines (Richards et al. 2015 PMID: 25741868, with internal and published modifications).